The following is an entry in ClinVar:

NM_003924.4(PHOX2B):c.151T>C (p.Phe51Leu)

Genes: PHOX2B (paired like homeobox 2B; minus strand), PHOX2B-AS1 (PHOX2B antisense RNA 1; plus strand). Cytogenetic location: 4p13.
Variant type: single nucleotide variant.
Coding change: c.151T>C on transcript NM_003924.4 (MANE Select); coding-DNA position 151, T replaced by C.
Protein change: p.Phe51Leu; replaces phenylalanine 51 with leucine.
Molecular consequence: missense variant.
Genome position (GRCh38, 1-based): chr4:41,748,460, A>G on the plus strand (T>C on the coding strand, the complement: PHOX2B is on the minus strand). VCF-style: chr4-41748460-A-G. GRCh37 (hg19) VCF-style: chr4-41750477-A-G.
Other names: short protein forms F51L.
Identifiers: ClinVar variation 2563116 (VCV002563116.2), dbSNP rs2552097176, ClinGen allele CA356740970.

ClinVar aggregate classification (germline): Uncertain significance (1 of 4 stars; one submission).

Conditions:
Hereditary cancer-predisposing syndrome. Also called: Neoplastic Syndromes, Hereditary; Hereditary Cancer Syndrome; Hereditary neoplastic syndrome; Tumor predisposition. Identifiers: Orphanet 140162, MedGen C0027672, MeSH D009386, MONDO:0015356.

Submission:

Ambry Genetics
Classification: Uncertain significance for Hereditary cancer-predisposing syndrome. Last evaluated: 2023-06-08. Review status: criteria provided, single submitter. Criteria: Ambry Variant Classification Scheme 2023. Collection method: clinical testing. Allele origin: germline.
Comment: The p.F51L variant (also known as c.151T>C), located in coding exon 1 of the PHOX2B gene, results from a T to C substitution at nucleotide position 151. The phenylalanine at codon 51 is replaced by leucine, an amino acid with highly similar properties. This amino acid position is conserved. In addition, this alteration is predicted to be deleterious by in silico analysis. Since supporting evidence is limited at this time, the clinical significance of this alteration remains unclear.